The following is an entry in ClinVar:

NM_000545.8(HNF1A):c.17G>A (p.Ser6Asn)

Gene: HNF1A (HNF1 homeobox A; plus strand). Cytogenetic location: 12q24.31.
Variant type: single nucleotide variant.
Coding change: c.17G>A on transcript NM_000545.8 (MANE Select); coding-DNA position 17, G replaced by A.
Protein change: p.Ser6Asn; replaces serine 6 with asparagine.
Molecular consequence: missense variant.
Genome position (GRCh38, 1-based): chr12:120,978,785, G>A. VCF-style: chr12-120978785-G-A. GRCh37 (hg19) VCF-style: chr12-121416588-G-A.
Other names: NM_001306179.2:c.17G>A; c.17G>A, p.Ser6Asn (NM_001306179.2); short protein forms S6N.
Identifiers: ClinVar variation 1342951 (VCV001342951.4), dbSNP rs2135819354, ClinGen allele CA386952195.
Genomic context (GRCh38, chr12:120,978,785, plus strand): 5'-TAGCGTGGTGGACCCGGGCCGCGTGGCCCTGTGGCAGCCGAGCCATGGTTTCTAAACTGA[G>A]CCAGCTGCAGACGGAGCTCCTGGCGGCCCTGCTCGAGTCAGGGCTGAGCAAAGAGGCACT-3'
Protein context (NP_000536.6, residues 1-16): MVSKL[Ser6Asn]QLQTELLAAL

ClinVar aggregate classification (germline): Pathogenic (3 of 4 stars; one submission).

Conditions:
Monogenic diabetes. Identifiers: Orphanet 183625, MedGen C3888631, MONDO:0015967.

Submission:

ClinGen Monogenic Diabetes Variant Curation Expert Panel
Classification: Pathogenic for Monogenic diabetes. Last evaluated: 2024-08-05. Review status: reviewed by expert panel. Criteria: ClinGen Diabetes ACMG Specifications HNF1A V2.1.0. Collection method: curation. Allele origin: germline. Inheritance: Autosomal dominant inheritance.
Comment: The c.17G>A variant in the HNF1 homeobox A gene, HNF1A, causes an amino acid change of serine to asparagine at codon 6 (p.(Ser6Cys)) of NM_000545.8. This variant is located within the DNA binding of HNF1A, which is defined as critical for the protein’s function by the ClinGen MDEP (PM1_Supporting). This variant has a REVEL score of 0.625, which is between the ClinGen MDEP thresholds for BP4 and PP3, predicting neither a damaging nor benign impact on HNF1A function. This variant is absent from gnomAD v2.1.1 (PM2_Supporting). This variant was identified in 4 unrelated individuals with non- autoimmune and non-absolute/near-absolute insulin-deficient diabetes (PS4_Moderate; internal lab contributors). One of these individuals had a clinical history highly specific for HNF1A-monogenic diabetes (MODY probability calculator result >50%, negative genetic testing for HNF4A, antibody negative, and 3 generation family history of diabetes) (PP4_Moderate; internal lab contributors). Lastly, this variant segregated with diabetes, with at least four informative meioses in three families with MODY (PP1_Strong; PMID: 18513305, internal lab contributors). In summary, this variant meets the criteria to be classified as pathogenic for monogenic diabetes. ACMG/AMP criteria applied, as specified by the ClinGen MDEP (specification version 2.1.0, approved 8/11/2023): PP1_Strong, PP4_Moderate, PS4_Moderate, PM2_Supporting, PM1_Supporting.